The following is an entry in ClinVar:

NM_033380.3(COL4A5):c.1190G>T (p.Gly397Val)

Gene: COL4A5 (collagen type IV alpha 5 chain; plus strand). Cytogenetic location: Xq22.3.
Variant type: single nucleotide variant.
Coding change: c.1190G>T on transcript NM_033380.3 (MANE Select); coding-DNA position 1190, G replaced by T.
Protein change: p.Gly397Val; replaces glycine 397 with valine.
Molecular consequence: missense variant.
Genome position (GRCh38, 1-based): chrX:108,591,082, G>T. VCF-style: chrX-108591082-G-T. GRCh37 (hg19) VCF-style: chrX-107834312-G-T.
Other names: c.1190G>T, p.Gly397Val (NM_000495.5); c.1190G>T (NM_000495.4); short protein forms G397V.
Identifiers: ClinVar variation 1455628 (VCV001455628.7), dbSNP rs2147796671, ClinGen allele CA413932212.

ClinVar aggregate classification (germline): Pathogenic/Likely pathogenic. Review status: criteria provided, multiple submitters, no conflicts (2 of 4 stars). 2 submissions from 2 submitters: Pathogenic (1); Likely pathogenic (1). Last evaluated 2024-06-28.

Conditions:
X-linked Alport syndrome (ATS1). Also called: NEPHROPATHY AND DEAFNESS, X-LINKED; COL4A5-Related Nephropathy. Identifiers: Orphanet 63, Orphanet 88917, MedGen C4746986, MONDO:0010520, OMIM 301050.

Submissions (2):

Natera, Inc.
Classification: Likely pathogenic for X-linked Alport syndrome. Last evaluated: 2024-06-28. Review status: criteria provided, single submitter. Criteria: Natera Variant Classification Schema (03/2026). Collection method: clinical testing. Allele origin: germline.
Comment: The c.1190G>T variant in COL4A5 is a missense variant predicted to cause substitution of glycine to valine at amino acid 397. This variant is rare in the general population with a frequency below the threshold expected for the associated phenotype(s). This variant has been observed in affected individual(s) with monoallelic occurrence (heterozygous/hemizygous) (PMID: 28780565). This variant is located in a functionally critical region of the protein. Computational prediction algorithms indicate this variant is likely to affect gene or protein function. Given the available evidence, this variant is classified as Likely Pathogenic.

Labcorp Genetics (formerly Invitae), Labcorp
Classification: Pathogenic. Last evaluated: 2021-08-03. Review status: criteria provided, single submitter. Criteria: Invitae Variant Classification Sherloc (09022015). Collection method: clinical testing. Allele origin: germline.
Comment: This sequence change replaces glycine with valine at codon 397 of the COL4A5 protein (p.Gly397Val). The glycine residue is highly conserved and there is a moderate physicochemical difference between glycine and valine. This variant is not present in population databases (ExAC no frequency). This missense change has been observed in individuals with clinical features of Alport syndrome (PMID: 28780565; Invitae). Advanced modeling of protein sequence and biophysical properties (such as structural, functional, and spatial information, amino acid conservation, physicochemical variation, residue mobility, and thermodynamic stability) performed at Invitae indicates that this missense variant is expected to disrupt COL4A5 protein function. This variant disrupts the triple helix domain of COL4A5. Glycine residues within the Gly-Xaa-Yaa repeats of the triple helix domain are required for the structure and stability of fibrillar collagens (PMID: 7695699, 8218237, 19344236). In COL4A5, missense variants at these glycine residues are significantly enriched in individuals with disease (PMID: 23720012, 27627812) compared to the general population (ExAC). For these reasons, this variant has been classified as Pathogenic.

Literature cited by the submitters: PubMed 28780565 (cited by Natera, Inc. and Labcorp Genetics (formerly Invitae), Labcorp); PubMed 7695699 (cited by Labcorp Genetics (formerly Invitae), Labcorp); PubMed 8218237 (cited by Labcorp Genetics (formerly Invitae), Labcorp); PubMed 19344236 (cited by Labcorp Genetics (formerly Invitae), Labcorp); PubMed 23720012 (cited by Labcorp Genetics (formerly Invitae), Labcorp); PubMed 27627812 (cited by Labcorp Genetics (formerly Invitae), Labcorp).